The following is an entry in ClinVar:

NM_001080467.3(MYO5B):c.770G>A (p.Arg257Lys)

Gene: MYO5B (myosin VB; minus strand). Cytogenetic location: 18q21.1.
Variant type: single nucleotide variant.
Coding change: c.770G>A on transcript NM_001080467.3 (MANE Select); coding-DNA position 770, G replaced by A.
Protein change: p.Arg257Lys; replaces arginine 257 with lysine.
Molecular consequence: missense variant.
Genome position (GRCh38, 1-based): chr18:49,990,507, C>T on the plus strand (G>A on the coding strand, the complement: MYO5B is on the minus strand). VCF-style: chr18-49990507-C-T. GRCh37 (hg19) VCF-style: chr18-47516877-C-T.
Other names: short protein forms R257K.
Identifiers: ClinVar variation 3391182 (VCV003391182.1).

ClinVar aggregate classification (germline): Uncertain significance (1 of 4 stars; one submission).

Conditions:
Cholestasis, progressive familial intrahepatic, 10 (PFIC10). Identifiers: MedGen C5676981, MONDO:0030810, OMIM 619868.

gnomAD v4.1: 2 of 1,613,624 alleles (0.00012%); highest among the groups gnomAD compares: Non-Finnish European, 0.00017%; no homozygotes.

Submission:

Neuberg Centre For Genomic Medicine, NCGM
Classification: Uncertain significance for Cholestasis, progressive familial intrahepatic, 10. Last evaluated: 2023-06-22. Review status: criteria provided, single submitter. Criteria: ACMG Guidelines, 2015. Collection method: clinical testing. Allele origin: germline. Inheritance: Autosomal recessive inheritance. Affected: yes.
Comment: The observed missense variant c.770G>Ap.Arg257Lys in MYO5B gene has not been reported previously as a pathogenic variant nor as a benign variant, to our knowledge. The p.Arg257Lys variant is absent in gnomAD Exomes. The amino acid Arg at position 257 is changed to a Lys changing protein sequence and it might alter its composition and physico-chemical properties. Multiple lines of computational evidence Polyphen-probably damaging, SIFT-damaging and Mutation Taster-disease causing predict a damaging effect on protein structure and function for this variant. The reference amino acid p.Arg257Lys in MYO5B is predicted as conserved by GERP++ and PhyloP across 100 vertebrates. For these reasons, this variant has been classified as Uncertain Significance.